The following is an entry in ClinVar:

NM_001267550.2(TTN):c.88281G>A (p.Gly29427=)

Genes: TTN (titin; minus strand), TTN-AS1 (TTN antisense RNA 1; plus strand). Cytogenetic location: 2q31.2.
Variant type: single nucleotide variant.
Coding change: c.88281G>A on transcript NM_001267550.2 (MANE Select); coding-DNA position 88281, G replaced by A.
Protein change: p.Gly29427=; no amino-acid change (glycine 29427 retained).
Molecular consequence: synonymous variant.
Genome position (GRCh38, 1-based): chr2:178,556,873, C>T on the plus strand (G>A on the coding strand, the complement: TTN is on the minus strand). VCF-style: chr2-178556873-C-T. GRCh37 (hg19) VCF-style: chr2-179421600-C-T.
Other names: c.83358G>A, p.Gly27786= (NM_001256850.1); c.61086G>A, p.Gly20362= (NM_003319.4); c.80577G>A, p.Gly26859= (NM_133378.4); c.61461G>A, p.Gly20487= (NM_133432.3); c.61662G>A, p.Gly20554= (NM_133437.4).
Identifiers: ClinVar variation 1160995 (VCV001160995.13), dbSNP rs775458117, ClinGen allele CA1988176.

ClinVar aggregate classification (germline): Likely benign. Review status: criteria provided, multiple submitters, no conflicts (2 of 4 stars). 3 submissions from 3 submitters: Likely benign (2). 1 of the submissions does not count toward it. Last evaluated 2026-01-26.

Conditions:
Cardiovascular phenotype. Identifiers: MedGen CN230736.
TTN-related disorder. Also called: TTN-related disorders; TTN-related condition; TTN-related disease.
Autosomal recessive limb-girdle muscular dystrophy type 2J (LGMDR10). Also called: Limb-girdle muscular dystrophy, type 2J; MUSCULAR DYSTROPHY, LIMB-GIRDLE, AUTOSOMAL RECESSIVE 10. Identifiers: Orphanet 140922, MedGen C1837342, MONDO:0012127, OMIM 608807.
Dilated cardiomyopathy 1G (CMD1G). Identifiers: Orphanet 154, MedGen C1858763, MONDO:0011400, OMIM 604145.

Allele frequency attached by ClinVar (database versions not stated): gnomAD exomes 0.00002 and 0.00012; TOPMed 0.00003; gnomAD 0.00004 and 0.00005; ExAC 0.00012.
gnomAD v4.1: 34 of 1,613,618 alleles (0.0021%); highest among the groups gnomAD compares: East Asian, 0.056%; no homozygotes.

Submissions (3):

Labcorp Genetics (formerly Invitae), Labcorp
Classification: Likely benign for Dilated cardiomyopathy 1G; Autosomal recessive limb-girdle muscular dystrophy type 2J. Last evaluated: 2026-01-26. Review status: criteria provided, single submitter. Criteria: Invitae Variant Classification Sherloc (09022015). Collection method: clinical testing. Allele origin: germline.

Ambry Genetics
Classification: Likely benign for Cardiovascular phenotype. Last evaluated: 2020-04-20. Review status: criteria provided, single submitter. Criteria: Ambry Variant Classification Scheme 2023. Collection method: clinical testing. Allele origin: germline.

PreventionGenetics, part of Exact Sciences
Classification: Likely benign for TTN-related condition. Last evaluated: 2019-05-29. Review status: no assertion criteria provided. Collection method: clinical testing. Allele origin: germline. Not counted in ClinVar's aggregate classification.
Comment: This variant is classified as likely benign based on ACMG/AMP sequence variant interpretation guidelines (Richards et al. 2015 PMID: 25741868, with internal and published modifications).